The following is an entry in ClinVar:

NM_002076.4(GNS):c.1160A>G (p.Asn387Ser)

Gene: GNS (glucosamine (N-acetyl)-6-sulfatase; minus strand). Cytogenetic location: 12q14.3.
Variant type: single nucleotide variant.
Coding change: c.1160A>G on transcript NM_002076.4 (MANE Select); coding-DNA position 1160, A replaced by G.
Protein change: p.Asn387Ser; replaces asparagine 387 with serine.
Molecular consequence: missense variant.
Genome position (GRCh38, 1-based): chr12:64,728,996, T>C on the plus strand (A>G on the coding strand, the complement: GNS is on the minus strand). VCF-style: chr12-64728996-T-C. GRCh37 (hg19) VCF-style: chr12-65122776-T-C.
Other names: short protein forms N387S.
Identifiers: ClinVar variation 2421187 (VCV002421187.2), dbSNP rs770725025, ClinGen allele CA238279751.
Genomic context (GRCh38, chr12:64,728,996, plus strand): 5'-ATTGAGGGCGCTATACTTACCAAAATGGGCAATAAGGACATCCCATCCATCTGTGTCTTA[T>C]TTAGGTCGTAGCCAGCAATGTCCAAAATAGTAGGACCCAAGTCAATGTTGGCAACCAGCA-3'
Protein context (NP_002067.1, residues 377-397): TILDIAGYDL[Asn387Ser]KTQMDGMSLL

ClinVar aggregate classification (germline): Uncertain significance (1 of 4 stars; one submission).

Conditions:
Mucopolysaccharidosis, MPS-III-D (MPS3D). Also called: N-ACETYLGLUCOSAMINE-6-SULFATASE DEFICIENCY; SANFILIPPO SYNDROME D; MPS IIID (Sanfilippo Syndrome Type D); MPS III D; Mucopoly-saccharidosis type 3D; N-acetylglucosamine-6-sulfate sulfatase deficiency. Identifiers: Orphanet 581, Orphanet 79272, MedGen C0086650, MONDO:0009658, OMIM 252940.

Allele frequency attached by ClinVar (database versions not stated): gnomAD exomes 0.00001.
gnomAD v4.1: 20 of 1,602,332 alleles (0.0012%); highest among the groups gnomAD compares: Non-Finnish European, 0.0016%; no homozygotes.

Submission:

Labcorp Genetics (formerly Invitae), Labcorp
Classification: Uncertain significance for Mucopolysaccharidosis, MPS-III-D. Last evaluated: 2022-10-17. Review status: criteria provided, single submitter. Criteria: Invitae Variant Classification Sherloc (09022015). Collection method: clinical testing. Allele origin: germline.
Comment: This sequence change replaces asparagine, which is neutral and polar, with serine, which is neutral and polar, at codon 387 of the GNS protein (p.Asn387Ser). This variant is not present in population databases (gnomAD no frequency). This variant has not been reported in the literature in individuals affected with GNS-related conditions. Advanced modeling of protein sequence and biophysical properties (such as structural, functional, and spatial information, amino acid conservation, physicochemical variation, residue mobility, and thermodynamic stability) performed at Invitae indicates that this missense variant is not expected to disrupt GNS protein function. In summary, the available evidence is currently insufficient to determine the role of this variant in disease. Therefore, it has been classified as a Variant of Uncertain Significance.